The following is an entry in ClinVar:

ClinVar aggregate classification (germline): Likely pathogenic (1 of 4 stars; one submission).

Conditions:
Hereditary nonpolyposis colorectal neoplasms. Identifiers: MedGen C0009405, MeSH D003123.

Submission:

Labcorp Genetics (formerly Invitae), Labcorp
Classification: Likely pathogenic for Hereditary nonpolyposis colorectal neoplasms. Last evaluated: 2024-11-06. Review status: criteria provided, single submitter. Criteria: Invitae Variant Classification Sherloc (09022015). Collection method: clinical testing. Allele origin: germline.
Comment: This sequence change replaces glycine, which is neutral and non-polar, with valine, which is neutral and non-polar, at codon 74 of the PMS2 protein (p.Gly74Val). This variant is not present in population databases (gnomAD no frequency). This variant has not been reported in the literature in individuals affected with PMS2-related conditions. ClinVar contains an entry for this variant (Variation ID: 2696747). Invitae Evidence Modeling incorporating data from in vitro experimental studies (internal data) indicates that this missense variant is expected to disrupt PMS2 function with a positive predictive value of 95%. This variant disrupts the p.Gly74 amino acid residue in PMS2. Other variant(s) that disrupt this residue have been determined to be pathogenic (internal data). This suggests that this residue is clinically significant, and that variants that disrupt this residue are likely to be disease-causing. In summary, the currently available evidence indicates that the variant is pathogenic, but additional data are needed to prove that conclusively. Therefore, this variant has been classified as Likely Pathogenic.

NM_000535.7(PMS2):c.221G>T (p.Gly74Val)

Gene: PMS2 (PMS1 homolog 2, mismatch repair system component; minus strand). Cytogenetic location: 7p22.1.
Variant type: single nucleotide variant.
Coding change: c.221G>T on transcript NM_000535.7 (MANE Select); coding-DNA position 221, G replaced by T.
Protein change: p.Gly74Val; replaces glycine 74 with valine.
Molecular consequence: missense variant. On other transcripts: 5 prime UTR variant (37), non-coding transcript variant (1), intron variant (1).
Genome position (GRCh38, 1-based): chr7:6,004,001, C>A on the plus strand (G>T on the coding strand, the complement: PMS2 is on the minus strand). VCF-style: chr7-6004001-C-A. GRCh37 (hg19) VCF-style: chr7-6043632-C-A.
Other names: c.6G>T, p.Trp2Cys (NM_001322008.2, NM_001406876.1, NM_001322007.2 and 4 more transcripts); c.-185G>T (NM_001322009.2, NM_001322010.2, NM_001322013.2 and 14 more transcripts); c.-664G>T (NM_001322011.2, NM_001322012.2); c.221G>T, p.Gly74Val (NM_001322014.2, NM_001406868.1, NM_001406869.1 and 10 more transcripts); c.-264G>T (NM_001322015.2, NM_001406875.1, NM_001406877.1 and 3 more transcripts); c.407G>T, p.Gly136Val (NM_001406866.1); c.-211G>T (NM_001406880.1); c.-161G>T (NM_001406881.1, NM_001406900.1); and 3 more; short protein forms G136V, G74V, W2C.
Identifiers: ClinVar variation 2696747 (VCV002696747.3), dbSNP rs876661272, ClinGen allele CA366744816.